The following is an entry in ClinVar:

ClinVar aggregate classification (germline): Uncertain significance (1 of 4 stars; one submission).

Conditions:
Androgen resistance syndrome (AIS). Also called: ANDROGEN RECEPTOR DEFICIENCY; DIHYDROTESTOSTERONE RECEPTOR DEFICIENCY; TESTICULAR FEMINIZATION SYNDROME; Androgen insensitivity syndrome; Androgen insensitivity, complete; DHTR DEFICIENCY. Identifiers: Orphanet 754, Orphanet 99429, MedGen C0039585, MONDO:0019154, OMIM 300068. Disease mechanism: loss of function.
Kennedy disease (SMAX1). Also called: KENNEDY SPINAL AND BULBAR MUSCULAR ATROPHY; Spinal and Bulbar Muscular Atrophy; SPINAL AND BULBAR MUSCULAR ATROPHY, X-LINKED 1. Identifiers: Orphanet 481, MedGen C1839259, MONDO:0010735, OMIM 313200.

Allele frequency attached by ClinVar (database versions not stated): gnomAD exomes below 0.00001.
gnomAD v4.1: 2 of 1,211,190 alleles (0.00017%); highest among the groups gnomAD compares: Non-Finnish European, 0.00011%; no homozygotes.

Submission:

Labcorp Genetics (formerly Invitae), Labcorp
Classification: Uncertain significance for Kennedy disease; Androgen resistance syndrome. Last evaluated: 2025-08-19. Review status: criteria provided, single submitter. Criteria: Invitae Variant Classification Sherloc (09022015). Collection method: clinical testing. Allele origin: germline.
Comment: This sequence change replaces isoleucine, which is neutral and non-polar, with threonine, which is neutral and polar, at codon 665 of the AR protein (p.Ile665Thr). This variant is not present in population databases (gnomAD no frequency). This missense change has been observed in individuals with androgen insensitivity syndrome or hypospadias (PMID: 15266301, 30316867; internal data). This variant is also known as I664T. ClinVar contains an entry for this variant (Variation ID: 1044220). Invitae Evidence Modeling of protein sequence and biophysical properties (such as structural, functional, and spatial information, amino acid conservation, physicochemical variation, residue mobility, and thermodynamic stability) indicates that this missense variant is not expected to disrupt AR protein function with a negative predictive value of 80%. In summary, the available evidence is currently insufficient to determine the role of this variant in disease. Therefore, it has been classified as a Variant of Uncertain Significance.

Literature cited by the submitters: PubMed 15266301; PubMed 30316867.

NM_000044.6(AR):c.1994T>C (p.Ile665Thr)

Gene: AR (androgen receptor; plus strand). Cytogenetic location: Xq12.
Variant type: single nucleotide variant.
Coding change: c.1994T>C on transcript NM_000044.6 (MANE Select); coding-DNA position 1994, T replaced by C.
Protein change: p.Ile665Thr; replaces isoleucine 665 with threonine.
Molecular consequence: missense variant.
Genome position (GRCh38, 1-based): chrX:67,711,510, T>C. VCF-style: chrX-67711510-T-C. GRCh37 (hg19) VCF-style: chrX-66931352-T-C.
Other names: c.398T>C, p.Ile133Thr (NM_001011645.3); short protein forms I133T, I665T.
Identifiers: ClinVar variation 1044220 (VCV001044220.8), dbSNP rs9332968, ClinGen allele CA330771343.